The following is an entry in ClinVar:

NM_006876.3(B4GAT1):c.980C>A (p.Pro327Gln)

Gene: B4GAT1 (beta-1,4-glucuronyltransferase 1; minus strand). Cytogenetic location: 11q13.2.
Variant type: single nucleotide variant.
Coding change: c.980C>A on transcript NM_006876.3 (MANE Select); coding-DNA position 980, C replaced by A.
Protein change: p.Pro327Gln; replaces proline 327 with glutamine.
Molecular consequence: missense variant.
Genome position (GRCh38, 1-based): chr11:66,346,566, G>T on the plus strand (C>A on the coding strand, the complement: B4GAT1 is on the minus strand). VCF-style: chr11-66346566-G-T. GRCh37 (hg19) VCF-style: chr11-66114037-G-T.
Other names: short protein forms P327Q.
Identifiers: ClinVar variation 474252 (VCV000474252.8), dbSNP rs1555016420, ClinGen allele CA381417226.

ClinVar aggregate classification (germline): Uncertain significance (1 of 4 stars; one submission).

Conditions:
Muscular dystrophy-dystroglycanopathy (congenital with brain and eye anomalies), type A13. Also called: WALKER-WARBURG SYNDROME OR MUSCLE-EYE-BRAIN DISEASE, B3GNT1-RELATED; Muscular dystrophy-dystroglycanopathy (congenital with brain and eye anomalies), type a, 13. Identifiers: Orphanet 899, MedGen C3809042, MONDO:0014120, OMIM 615287.

Submission:

Labcorp Genetics (formerly Invitae), Labcorp
Classification: Uncertain significance for Muscular dystrophy-dystroglycanopathy (congenital with brain and eye anomalies), type A13. Last evaluated: 2022-11-08. Review status: criteria provided, single submitter. Criteria: Invitae Variant Classification Sherloc (09022015). Collection method: clinical testing. Allele origin: germline.
Comment: In summary, the available evidence is currently insufficient to determine the role of this variant in disease. Therefore, it has been classified as a Variant of Uncertain Significance. Advanced modeling of protein sequence and biophysical properties (such as structural, functional, and spatial information, amino acid conservation, physicochemical variation, residue mobility, and thermodynamic stability) performed at Invitae indicates that this missense variant is expected to disrupt B4GAT1 protein function. ClinVar contains an entry for this variant (Variation ID: 474252). This variant has not been reported in the literature in individuals affected with B4GAT1-related conditions. This variant is not present in population databases (gnomAD no frequency). This sequence change replaces proline, which is neutral and non-polar, with glutamine, which is neutral and polar, at codon 327 of the B4GAT1 protein (p.Pro327Gln).